The following is an entry in ClinVar:

NM_000465.4(BARD1):c.1639G>T (p.Glu547Ter)

Gene: BARD1 (BRCA1 associated RING domain 1; minus strand). Cytogenetic location: 2q35.
Variant type: single nucleotide variant.
Coding change: c.1639G>T on transcript NM_000465.4 (MANE Select); coding-DNA position 1639, G replaced by T.
Protein change: p.Glu547Ter; replaces glutamic acid 547 with a stop codon.
Molecular consequence: nonsense. On other transcripts: non-coding transcript variant (3), intron variant (1).
Genome position (GRCh38, 1-based): chr2:214,752,485, C>A on the plus strand (G>T on the coding strand, the complement: BARD1 is on the minus strand). VCF-style: chr2-214752485-C-A. GRCh37 (hg19) VCF-style: chr2-215617209-C-A.
Other names: c.1582G>T, p.Glu528Ter (NM_001282543.2); c.286G>T, p.Glu96Ter (NM_001282545.2); c.229G>T, p.Glu77Ter (NM_001282548.2); c.365-21977G>T (NM_001282549.2); short protein forms E547*, E77*, E528*, E96*.
Identifiers: ClinVar variation 230172 (VCV000230172.11), dbSNP rs876658429, ClinGen allele CA10577794.

ClinVar aggregate classification (germline): Pathogenic. Review status: criteria provided, multiple submitters, no conflicts (2 of 4 stars). 3 submissions from 3 submitters: Pathogenic (3). Last evaluated 2024-12-26.

Conditions:
Hereditary cancer-predisposing syndrome. Also called: Hereditary neoplastic syndrome; Hereditary Cancer Syndrome; Neoplastic Syndromes, Hereditary; Tumor predisposition. Identifiers: Orphanet 140162, MedGen C0027672, MeSH D009386, MONDO:0015356.
Familial cancer of breast. Also called: Hereditary breast cancer; BREAST CANCER, FAMILIAL; hereditary breast carcinoma. Identifiers: Orphanet 227535, MedGen C0346153, MONDO:0016419, OMIM 114480. Disease mechanism: loss of function.

Submissions (3):

Ambry Genetics
Classification: Pathogenic for Hereditary cancer-predisposing syndrome. Last evaluated: 2024-12-26. Review status: criteria provided, single submitter. Criteria: Ambry Variant Classification Scheme 2023. Collection method: clinical testing. Allele origin: germline.
Comment: The p.E547* pathogenic mutation (also known as c.1639G>T), located in coding exon 7 of the BARD1 gene, results from a G to T substitution at nucleotide position 1639. This changes the amino acid from a glutamic acid to a stop codon within coding exon 7. This variant is considered to be rare based on population cohorts in the Genome Aggregation Database (gnomAD). This alteration is expected to result in loss of function by premature protein truncation or nonsense-mediated mRNA decay. As such, this alteration is interpreted as a disease-causing mutation.

Myriad Genetics, Inc.
Classification: Pathogenic for Familial cancer of breast. Last evaluated: 2023-05-23. Review status: criteria provided, single submitter. Criteria: Myriad Autosomal Dominant, Autosomal Recessive and X-Linked Classification Criteria (2023). Collection method: clinical testing. Allele origin: unknown.
Comment: This variant is considered pathogenic. This variant creates a termination codon and is predicted to result in premature protein truncation.

Color Diagnostics, LLC DBA Color Health
Classification: Pathogenic for Hereditary cancer-predisposing syndrome. Last evaluated: 2019-08-12. Review status: criteria provided, single submitter. Criteria: ACMG Guidelines, 2015. Collection method: clinical testing. Allele origin: germline.
Comment: This variant changes 1 nucleotide in exon 7 of the BARD1 gene, creating a premature translation stop signal. This variant is expected to result in an absent or non-functional protein product. Computational splicing tools suggest that this variant may not impact RNA splicing. To our knowledge, functional assays have not been performed for this variant nor has this variant been reported in individuals affected with hereditary cancer in the literature. This variant has not been identified in the general population by the Genome Aggregation Database (gnomAD). Loss of BARD1 function is a known mechanism of disease. Based on available evidence, this variant is classified as Pathogenic.